The following is an entry in ClinVar:

ClinVar aggregate classification (germline): Uncertain significance (1 of 4 stars; one submission).

Conditions:
Developmental and epileptic encephalopathy 118. Identifiers: MedGen C6012741, MONDO:0979238, OMIM 621250.

Submission:

3billion
Classification: Uncertain significance for Developmental and epileptic encephalopathy 118. Last evaluated: 2025-10-08. Review status: criteria provided, single submitter. Criteria: ACMG Guidelines, 2015. Collection method: clinical testing. Allele origin: germline. Affected: yes.
Comment: The variant is not observed in the gnomAD v4.1.0 dataset. Predicted Consequence/Location: Missense variant. Missense changes are a common disease-causing mechanism. Therefore, this variant is classified as VUS according to the recommendation of ACMG/AMP guideline.

NM_018426.3(TMEM63B):c.1273A>C (p.Ile425Leu)

Gene: TMEM63B (transmembrane protein 63B; plus strand). Cytogenetic location: 6p21.1.
Variant type: single nucleotide variant.
Coding change: c.1273A>C on transcript NM_018426.3 (MANE Select); coding-DNA position 1273, A replaced by C.
Protein change: p.Ile425Leu; replaces isoleucine 425 with leucine.
Molecular consequence: missense variant.
Genome position (GRCh38, 1-based): chr6:44,148,805, A>C. VCF-style: chr6-44148805-A-C. GRCh37 (hg19) VCF-style: chr6-44116542-A-C.
Other names: c.1273A>C, p.Ile425Leu (NM_001318792.1); short protein forms I425L.
Identifiers: ClinVar variation 4854210 (VCV004854210.1).